The following is an entry in ClinVar:

NM_019045.5(WDR44):c.2291C>G (p.Ser764Cys)

Gene: WDR44 (WD repeat domain 44; plus strand). Cytogenetic location: Xq24.
Variant type: single nucleotide variant.
Coding change: c.2291C>G on transcript NM_019045.5 (MANE Select); coding-DNA position 2291, C replaced by G.
Protein change: p.Ser764Cys; replaces serine 764 with cysteine.
Molecular consequence: missense variant.
Genome position (GRCh38, 1-based): chrX:118,442,587, C>G. VCF-style: chrX-118442587-C-G. GRCh37 (hg19) VCF-style: chrX-117576550-C-G.
Other names: c.2291C>G, p.Ser764Cys (NM_001184965.2); c.2024C>G, p.Ser675Cys (NM_001184966.1); short protein forms S675C, S764C.
Identifiers: ClinVar variation 3342567 (VCV003342567.1).

ClinVar aggregate classification (germline): Uncertain significance (1 of 4 stars; one submission).

Submission:

GeneDx
Classification: Uncertain significance. Last evaluated: 2023-06-08. Review status: criteria provided, single submitter. Criteria: GeneDx Variant Classification Process June 2021. Collection method: clinical testing. Allele origin: germline. Affected: yes.
Comment: Not observed at significant frequency in large population cohorts (gnomAD); In silico analysis supports that this missense variant has a deleterious effect on protein structure/function; Has not been previously published as pathogenic or benign to our knowledge; Variants in candidate genes are classified as variants of uncertain significance in accordance with ACMG guidelines (Richards et al., 2015)